The following is an entry in ClinVar:

NM_018685.5(ANLN):c.2914A>G (p.Ile972Val)

Gene: ANLN (anillin, actin binding protein; plus strand). Cytogenetic location: 7p14.2.
Variant type: single nucleotide variant.
Coding change: c.2914A>G on transcript NM_018685.5 (MANE Select); coding-DNA position 2914, A replaced by G.
Protein change: p.Ile972Val; replaces isoleucine 972 with valine.
Molecular consequence: missense variant.
Genome position (GRCh38, 1-based): chr7:36,439,234, A>G. VCF-style: chr7-36439234-A-G. GRCh37 (hg19) VCF-style: chr7-36478843-A-G.
Other names: c.2803A>G, p.Ile935Val (NM_001284301.3); c.2800A>G, p.Ile934Val (NM_001284302.3); short protein forms I935V, I972V, I934V.
Identifiers: ClinVar variation 1399323 (VCV001399323.8), dbSNP rs756843420, ClinGen allele CA4220042.

ClinVar aggregate classification (germline): Uncertain significance (1 of 4 stars; one submission).

Allele frequency attached by ClinVar (database versions not stated): ExAC 0.00002; gnomAD 0.00002 and 0.00004; gnomAD exomes 0.00002; TOPMed 0.00005.
gnomAD v4.1: 40 of 1,596,652 alleles (0.0025%); highest among the groups gnomAD compares: Non-Finnish European, 0.0033%; no homozygotes.

Submission:

Labcorp Genetics (formerly Invitae), Labcorp
Classification: Uncertain significance. Last evaluated: 2021-03-08. Review status: criteria provided, single submitter. Criteria: Invitae Variant Classification Sherloc (09022015). Collection method: clinical testing. Allele origin: germline.
Comment: Algorithms developed to predict the effect of missense changes on protein structure and function (SIFT, PolyPhen-2, Align-GVGD) all suggest that this variant is likely to be tolerated, but these predictions have not been confirmed by published functional studies and their clinical significance is uncertain. In summary, the available evidence is currently insufficient to determine the role of this variant in disease. Therefore, it has been classified as a Variant of Uncertain Significance. This variant has not been reported in the literature in individuals with ANLN-related conditions. This sequence change replaces isoleucine with valine at codon 972 of the ANLN protein (p.Ile972Val). The isoleucine residue is weakly conserved and there is a small physicochemical difference between isoleucine and valine. This variant is present in population databases (rs756843420, ExAC 0.003%).